The following is an entry in ClinVar:

NM_004260.4(RECQL4):c.539G>A (p.Ser180Asn)

Gene: RECQL4 (RecQ like helicase 4; minus strand). Cytogenetic location: 8q24.3.
Variant type: single nucleotide variant.
Coding change: c.539G>A on transcript NM_004260.4 (MANE Select); coding-DNA position 539, G replaced by A.
Protein change: p.Ser180Asn; replaces serine 180 with asparagine.
Molecular consequence: missense variant.
Genome position (GRCh38, 1-based): chr8:144,516,580, C>T on the plus strand (G>A on the coding strand, the complement: RECQL4 is on the minus strand). VCF-style: chr8-144516580-C-T. GRCh37 (hg19) VCF-style: chr8-145741964-C-T.
Other names: short protein forms S180N.
Identifiers: ClinVar variation 406996 (VCV000406996.12), dbSNP rs1060501378, ClinGen allele CA16612554.

ClinVar aggregate classification (germline): Uncertain significance. Review status: criteria provided, multiple submitters, no conflicts (2 of 4 stars). 3 submissions from 3 submitters: Uncertain significance (3). Last evaluated 2025-11-07.

Conditions:
Inborn genetic diseases. Identifiers: MedGen C0950123, MeSH D030342.
Baller-Gerold syndrome (BGS). Also called: CRANIOSYNOSTOSIS WITH RADIAL DEFECTS. Identifiers: Orphanet 1225, MedGen C0265308, MONDO:0009039, OMIM 218600.
Rothmund-Thomson syndrome (RTS). Also called: Poikiloderma Congenitale; Poikiloderma of Rothmund-Thomson. Identifiers: Orphanet 2909, MedGen C0032339, MONDO:0010002.
Rapadilino syndrome. Identifiers: Orphanet 3021, MedGen C1849453, MONDO:0009955, OMIM 266280.

Allele frequency attached by ClinVar (database versions not stated): gnomAD exomes 0.00001; TOPMed 0.00002.

Submissions (3):

Ambry Genetics
Classification: Uncertain significance for Inborn genetic diseases. Last evaluated: 2025-11-07. Review status: criteria provided, single submitter. Criteria: Ambry Variant Classification Scheme 2023. Collection method: clinical testing. Allele origin: germline.
Comment: The c.539G>A (p.S180N) alteration is located in exon 5 (coding exon 5) of the RECQL4 gene. This alteration results from a G to A substitution at nucleotide position 539, causing the serine (S) at amino acid position 180 to be replaced by an asparagine (N). Based on data from gnomAD, the A allele has an overall frequency of 0.001% (3/239836) total alleles studied. The highest observed frequency was 0.003% (3/107608) of European (non-Finnish) alleles. Based on insufficient or conflicting evidence, the clinical significance of this alteration remains unclear.

Labcorp Genetics (formerly Invitae), Labcorp
Classification: Uncertain significance for Baller-Gerold syndrome. Last evaluated: 2025-08-26. Review status: criteria provided, single submitter. Criteria: Invitae Variant Classification Sherloc (09022015). Collection method: clinical testing. Allele origin: germline.
Comment: This sequence change replaces serine, which is neutral and polar, with asparagine, which is neutral and polar, at codon 180 of the RECQL4 protein (p.Ser180Asn). This variant is present in population databases (no rsID available, gnomAD 0.003%). This variant has not been reported in the literature in individuals affected with RECQL4-related conditions. ClinVar contains an entry for this variant (Variation ID: 406996). Invitae Evidence Modeling of protein sequence and biophysical properties (such as structural, functional, and spatial information, amino acid conservation, physicochemical variation, residue mobility, and thermodynamic stability) indicates that this missense variant is not expected to disrupt RECQL4 protein function with a negative predictive value of 80%. In summary, the available evidence is currently insufficient to determine the role of this variant in disease. Therefore, it has been classified as a Variant of Uncertain Significance.

Fulgent Genetics
Classification: Uncertain significance for Baller-Gerold syndrome; Rapadilino syndrome; Rothmund-Thomson syndrome type 2. Last evaluated: 2018-10-31. Review status: criteria provided, single submitter. Criteria: ACMG Guidelines, 2015. Collection method: clinical testing. Allele origin: unknown.